The following is an entry in ClinVar:

NM_003664.5(AP3B1):c.2492T>A (p.Val831Asp)

Gene: AP3B1 (adaptor related protein complex 3 subunit beta 1; minus strand). Cytogenetic location: 5q14.1.
Variant type: single nucleotide variant.
Coding change: c.2492T>A on transcript NM_003664.5 (MANE Select); coding-DNA position 2492, T replaced by A.
Protein change: p.Val831Asp; replaces valine 831 with aspartic acid.
Molecular consequence: missense variant.
Genome position (GRCh38, 1-based): chr5:78,089,478, A>T on the plus strand (T>A on the coding strand, the complement: AP3B1 is on the minus strand). VCF-style: chr5-78089478-A-T. GRCh37 (hg19) VCF-style: chr5-77385302-A-T.
Other names: c.2345T>A, p.Val782Asp (NM_001271769.2); short protein forms V831D, V782D.
Identifiers: ClinVar variation 1393328 (VCV001393328.6), dbSNP rs149948974, ClinGen allele CA3316747.

ClinVar aggregate classification (germline): Uncertain significance (1 of 4 stars; one submission).

Conditions:
Hermansky-Pudlak syndrome 2 (HPS2). Also called: Platelet defects and oculocutaneous albinism. Identifiers: Orphanet 183678, Orphanet 79430, MedGen C1842362, MONDO:0011997, OMIM 608233.

Allele frequency attached by ClinVar (database versions not stated): gnomAD 0.00001 and 0.00002; ExAC 0.00002; gnomAD exomes 0.00002; TOPMed 0.00004; ESP Exome Variant Server 0.00015; 1000 Genomes Project 0.00020; 1000 Genomes Project 30x 0.00031.
gnomAD v4.1: 8 of 1,612,582 alleles (0.0005%); highest among the groups gnomAD compares: African/African-American, 0.008%; no homozygotes.

Submission:

Labcorp Genetics (formerly Invitae), Labcorp
Classification: Uncertain significance for Hermansky-Pudlak syndrome 2. Last evaluated: 2022-10-13. Review status: criteria provided, single submitter. Criteria: Invitae Variant Classification Sherloc (09022015). Collection method: clinical testing. Allele origin: germline.
Comment: In summary, the available evidence is currently insufficient to determine the role of this variant in disease. Therefore, it has been classified as a Variant of Uncertain Significance. Algorithms developed to predict the effect of missense changes on protein structure and function are either unavailable or do not agree on the potential impact of this missense change (SIFT: "Deleterious"; PolyPhen-2: "Possibly Damaging"; Align-GVGD: "Class C0"). ClinVar contains an entry for this variant (Variation ID: 1393328). This variant has not been reported in the literature in individuals affected with AP3B1-related conditions. This variant is present in population databases (rs149948974, gnomAD 0.03%). This sequence change replaces valine, which is neutral and non-polar, with aspartic acid, which is acidic and polar, at codon 831 of the AP3B1 protein (p.Val831Asp).